The following is an entry in ClinVar:

NM_001267550.2(TTN):c.104941G>T (p.Glu34981Ter)

Genes: TTN (titin; minus strand), TTN-AS1 (TTN antisense RNA 1; plus strand). Cytogenetic location: 2q31.2.
Variant type: single nucleotide variant.
Coding change: c.104941G>T on transcript NM_001267550.2 (MANE Select); coding-DNA position 104941, G replaced by T.
Protein change: p.Glu34981Ter; replaces glutamic acid 34981 with a stop codon.
Molecular consequence: nonsense.
Genome position (GRCh38, 1-based): chr2:178,531,674, C>A on the plus strand (G>T on the coding strand, the complement: TTN is on the minus strand). VCF-style: chr2-178531674-C-A. GRCh37 (hg19) VCF-style: chr2-179396401-C-A.
Other names: c.100018G>T, p.Glu33340Ter (NM_001256850.1); c.77746G>T, p.Glu25916Ter (NM_003319.4); c.97237G>T, p.Glu32413Ter (NM_133378.4); c.78121G>T, p.Glu26041Ter (NM_133432.3); c.78322G>T, p.Glu26108Ter (NM_133437.4); short protein forms E26041*, E26108*, E34981*, E32413*, E33340*, E25916*.
Identifiers: ClinVar variation 1760560 (VCV001760560.4), dbSNP rs2468418880, ClinGen allele CA349409836.

ClinVar aggregate classification (germline): Likely pathogenic. Review status: criteria provided, multiple submitters, no conflicts (2 of 4 stars). 2 submissions from 2 submitters: Likely pathogenic (2). Last evaluated 2024-11-06.

Conditions:
Autosomal recessive limb-girdle muscular dystrophy type 2J (LGMDR10). Also called: Limb-girdle muscular dystrophy, type 2J; MUSCULAR DYSTROPHY, LIMB-GIRDLE, AUTOSOMAL RECESSIVE 10. Identifiers: Orphanet 140922, MedGen C1837342, MONDO:0012127, OMIM 608807.
Dilated cardiomyopathy 1G (CMD1G). Identifiers: Orphanet 154, MedGen C1858763, MONDO:0011400, OMIM 604145.
Cardiovascular phenotype. Identifiers: MedGen CN230736.

Submissions (2):

Labcorp Genetics (formerly Invitae), Labcorp
Classification: Likely pathogenic for Dilated cardiomyopathy 1G; Autosomal recessive limb-girdle muscular dystrophy type 2J. Last evaluated: 2024-11-06. Review status: criteria provided, single submitter. Criteria: Invitae Variant Classification Sherloc (09022015). Collection method: clinical testing. Allele origin: germline.
Comment: This sequence change creates a premature translational stop signal (p.Glu34981*) in the TTN gene. While this is not anticipated to result in nonsense mediated decay, it is expected to create a truncated TTN protein. This variant is not present in population databases (gnomAD no frequency). This variant has not been reported in the literature in individuals affected with TTN-related conditions. ClinVar contains an entry for this variant (Variation ID: 1760560). This variant is located in the M band of TTN (PMID: 25589632). Truncating variants in this region have been previously reported in individuals affected with autosomal dominant or autosomal recessive myopathy and muscular dystrophy (PMID: 18948003, 23975875, 24395473). Truncating variants in this region have also been identified in individuals affected with autosomal dominant dilated cardiomyopathy and/or cardio-related conditions (PMID: 27869827, 32964742, internal data). In summary, the currently available evidence indicates that the variant is pathogenic, but additional data are needed to prove that conclusively. Therefore, this variant has been classified as Likely Pathogenic.

Ambry Genetics
Classification: Likely pathogenic for Cardiovascular phenotype. Last evaluated: 2020-12-23. Review status: criteria provided, single submitter. Criteria: Ambry Variant Classification Scheme 2023. Collection method: clinical testing. Allele origin: germline.
Comment: The p.E25916* variant (also known as c.77746G>T), located in coding exon 185 of the TTN gene, results from a G to T substitution at nucleotide position 77746. This changes the amino acid from a glutamic acid to a stop codon within coding exon 185. This exon is located in the M-band region of the N2-B isoform of the titin protein and is constitutively expressed in TTN transcripts (percent spliced in or PSI 100%). This alteration is expected to result in loss of function by premature protein truncation or nonsense-mediated mRNA decay. While truncating variants in TTN are present in 1-3% of the general population, truncating variants in the M-band have been reported in association with autosomal recessive titinopathies, primarily presenting with skeletal myopathy phenotypes (Ceyhan-Birsoy O et al. Neurology. 2013 Oct 1;81(14):1205-14; De Cid R et al. Neurology. 2015;85(24):2126-35). In addition, regardless of their position, TTN truncating variants encoded in constitutive exons (PSI >90%) have been found to be significantly associated with dilated cardiomyopathy (DCM), though truncating variants in the A-band are the most common cause of DCM (Herman DS et al. N. Engl. J. Med., 2012 Feb;366:619-28; Roberts AM et al. Sci Transl Med, 2015 Jan;7:270ra6; Schafer S et al. Nat. Genet., 2017 01;49:46-53). Based on the majority of available evidence to date, this variant is likely to be pathogenic in association with autosomal recessive titinopathy; however, the clinical significance of this alteration with respect to cardiomyopathy remains unclear.

Literature cited by the submitters: PubMed 25589632 (cited by Labcorp Genetics (formerly Invitae), Labcorp); PubMed 18948003 (cited by Labcorp Genetics (formerly Invitae), Labcorp); PubMed 23975875 (cited by Labcorp Genetics (formerly Invitae), Labcorp); PubMed 24395473 (cited by Labcorp Genetics (formerly Invitae), Labcorp); PubMed 27869827 (cited by Labcorp Genetics (formerly Invitae), Labcorp); PubMed 32964742 (cited by Labcorp Genetics (formerly Invitae), Labcorp).